The following is an entry in ClinVar:

ClinVar aggregate classification (germline): Likely benign (1 of 4 stars; one submission).

Allele frequency attached by ClinVar (database versions not stated): 1000 Genomes Project 30x 0.00031; 1000 Genomes Project 0.00040; TOPMed 0.00084; ESP Exome Variant Server 0.00090; gnomAD 0.00136; ExAC 0.00205.
gnomAD v4.1: 1,332 of 1,576,484 alleles (0.084%); highest among the groups gnomAD compares: Non-Finnish European, 0.098%; 1 homozygote.

Submission:

CeGaT Center for Human Genetics Tuebingen
Classification: Likely benign. Last evaluated: 2023-01-01. Review status: criteria provided, single submitter. Criteria: CeGaT Center For Human Genetics Tuebingen Variant Classification Criteria Version 2. Collection method: clinical testing. Allele origin: germline. Affected: yes. Observed: 5 variant alleles.
Comment: CROCC: BP4, BP7

NM_014675.5(CROCC):c.2536C>A (p.Arg846=)

Gene: CROCC (ciliary rootlet coiled-coil, rootletin; plus strand). Cytogenetic location: 1p36.13.
Variant type: single nucleotide variant.
Coding change: c.2536C>A on transcript NM_014675.5 (MANE Select); coding-DNA position 2536, C replaced by A.
Protein change: p.Arg846=; no amino-acid change (arginine 846 retained).
Molecular consequence: synonymous variant.
Genome position (GRCh38, 1-based): chr1:16,948,352, C>A. VCF-style: chr1-16948352-C-A. GRCh37 (hg19) VCF-style: chr1-17274847-C-A.
Identifiers: ClinVar variation 2638376 (VCV002638376.24), dbSNP rs368376913, ClinGen allele CA635106.